The following is an entry in ClinVar:

NM_001367561.1(DOCK7):c.2624A>G (p.His875Arg)

Gene: DOCK7 (dedicator of cytokinesis 7; minus strand). Cytogenetic location: 1p31.3.
Variant type: single nucleotide variant.
Coding change: c.2624A>G on transcript NM_001367561.1 (MANE Select); coding-DNA position 2624, A replaced by G.
Protein change: p.His875Arg; replaces histidine 875 with arginine.
Molecular consequence: missense variant.
Genome position (GRCh38, 1-based): chr1:62,552,874, T>C on the plus strand (A>G on the coding strand, the complement: DOCK7 is on the minus strand). VCF-style: chr1-62552874-T-C. GRCh37 (hg19) VCF-style: chr1-63018545-T-C.
Other names: c.2624A>G, p.His875Arg (NM_001271999.2, NM_001272000.2, NM_001272001.2 and 2 more transcripts); short protein forms H875R.
Identifiers: ClinVar variation 1362517 (VCV001362517.6), dbSNP rs371928202, ClinGen allele CA886208.

ClinVar aggregate classification (germline): Uncertain significance (1 of 4 stars; one submission).

Conditions:
Developmental and epileptic encephalopathy, 23 (DEE23). Also called: Epileptic encephalopathy, early infantile, 23. Identifiers: Orphanet 411986, MedGen C4014492, MONDO:0014371, OMIM 615859.

Allele frequency attached by ClinVar (database versions not stated): gnomAD exomes below 0.00001 and 0.00001; ExAC 0.00001; gnomAD 0.00001; TOPMed 0.00001; ESP Exome Variant Server 0.00008.
gnomAD v4.1: 8 of 1,612,370 alleles (0.0005%); highest among the groups gnomAD compares: African/African-American, 0.008%; no homozygotes.

Submission:

Labcorp Genetics (formerly Invitae), Labcorp
Classification: Uncertain significance for Developmental and epileptic encephalopathy, 23. Last evaluated: 2024-08-27. Review status: criteria provided, single submitter. Criteria: Invitae Variant Classification Sherloc (09022015). Collection method: clinical testing. Allele origin: germline.
Comment: This sequence change replaces histidine, which is basic and polar, with arginine, which is basic and polar, at codon 875 of the DOCK7 protein (p.His875Arg). This variant is present in population databases (rs371928202, gnomAD 0.02%). This variant has not been reported in the literature in individuals affected with DOCK7-related conditions. ClinVar contains an entry for this variant (Variation ID: 1362517). Invitae Evidence Modeling of protein sequence and biophysical properties (such as structural, functional, and spatial information, amino acid conservation, physicochemical variation, residue mobility, and thermodynamic stability) indicates that this missense variant is not expected to disrupt DOCK7 protein function with a negative predictive value of 80%. In summary, the available evidence is currently insufficient to determine the role of this variant in disease. Therefore, it has been classified as a Variant of Uncertain Significance.